The following is an entry in ClinVar:

ClinVar aggregate classification (germline): Uncertain significance (1 of 4 stars; one submission).

Conditions:
CHARGE syndrome (CHARGE). Also called: Hittner Hirsch Kreh syndrome; Coloboma, heart anomaly, choanal atresia, retardation, genital and ear anomalies; CHARGE association; Hall-Hittner syndrome; CHARGE ASSOCIATION--COLOBOMA, HEART ANOMALY, CHOANAL ATRESIA, RETARDATION, GENITAL AND EAR ANOMALIES. Identifiers: Orphanet 138, MedGen C0265354, MONDO:0008965.

Allele frequency attached by ClinVar (database versions not stated): gnomAD exomes below 0.00001.
gnomAD v4.1: 5 of 1,558,950 alleles (0.00032%); highest among the groups gnomAD compares: Middle Eastern, 0.017%; no homozygotes.

Submission:

Centre for Mendelian Genomics, University Medical Centre Ljubljana
Classification: Uncertain significance for CHD7-related CHARGE syndrome. Last evaluated: 2016-01-01. Review status: criteria provided, single submitter. Criteria: ACMG Guidelines, 2015. Collection method: clinical testing. Allele origin: unknown. Affected: yes.
Comment: This variant was classified as: Uncertain significance. The following ACMG criteria were applied in classifying this variant: PP3,PP4,BS1.

NM_017780.4(CHD7):c.1676C>T (p.Ser559Leu)

Genes: CHD7 (chromodomain helicase DNA binding protein 7; plus strand), LOC126860403 (CDK7 strongly-dependent group 2 enhancer GRCh37_chr8:61693034-61694233; plus strand). Cytogenetic location: 8q12.2.
Variant type: single nucleotide variant.
Coding change: c.1676C>T on transcript NM_017780.4 (MANE Select); coding-DNA position 1676, C replaced by T.
Protein change: p.Ser559Leu; replaces serine 559 with leucine.
Molecular consequence: missense variant.
Genome position (GRCh38, 1-based): chr8:60,781,010, C>T. VCF-style: chr8-60781010-C-T. GRCh37 (hg19) VCF-style: chr8-61693569-C-T.
Other names: c.1676C>T, p.Ser559Leu (NM_001316690.1); short protein forms S559L.
Identifiers: ClinVar variation 931067 (VCV000931067.3), dbSNP rs1402410171, ClinGen allele CA371311201.